The following is an entry in ClinVar:

ClinVar aggregate classification (germline): Uncertain significance (1 of 4 stars; one submission).

Conditions:
Joubert syndrome. Also called: CEREBELLOPARENCHYMAL DISORDER IV; JOUBERT-BOLTSHAUSER SYNDROME; Familial aplasia of the vermis. Identifiers: Orphanet 475, MedGen C5979921, MONDO:0018772.
Nephronophthisis. Also called: Juvenile Nephronophthisis. Identifiers: Orphanet 655, MedGen C0687120, MONDO:0019005, HP:0000090.
Meckel-Gruber syndrome. Also called: DYSENCEPHALIA SPLANCHNOCYSTICA; GRUBER SYNDROME; Dysencephalia splachnocystica. Identifiers: Orphanet 564, MedGen C0265215, MONDO:0018921.

Submission:

Labcorp Genetics (formerly Invitae), Labcorp
Classification: Uncertain significance for Joubert syndrome; Meckel-Gruber syndrome; Nephronophthisis. Last evaluated: 2022-06-20. Review status: criteria provided, single submitter. Criteria: Invitae Variant Classification Sherloc (09022015). Collection method: clinical testing. Allele origin: germline.
Comment: This sequence change replaces glutamine, which is neutral and polar, with glutamic acid, which is acidic and polar, at codon 2145 of the CEP290 protein (p.Gln2145Glu). This variant is not present in population databases (gnomAD no frequency). This variant has not been reported in the literature in individuals affected with CEP290-related conditions. Algorithms developed to predict the effect of missense changes on protein structure and function are either unavailable or do not agree on the potential impact of this missense change (SIFT: "Deleterious"; PolyPhen-2: "Probably Damaging"; Align-GVGD: "Class C0"). In summary, the available evidence is currently insufficient to determine the role of this variant in disease. Therefore, it has been classified as a Variant of Uncertain Significance.

NM_025114.4(CEP290):c.6433C>G (p.Gln2145Glu)

Gene: CEP290 (centrosomal protein 290; minus strand). Cytogenetic location: 12q21.32.
Variant type: single nucleotide variant.
Coding change: c.6433C>G on transcript NM_025114.4 (MANE Select); coding-DNA position 6433, C replaced by G.
Protein change: p.Gln2145Glu; replaces glutamine 2145 with glutamic acid.
Molecular consequence: missense variant.
Genome position (GRCh38, 1-based): chr12:88,060,919, G>C on the plus strand (C>G on the coding strand, the complement: CEP290 is on the minus strand). VCF-style: chr12-88060919-G-C. GRCh37 (hg19) VCF-style: chr12-88454696-G-C.
Other names: short protein forms Q2145E.
Identifiers: ClinVar variation 1348455 (VCV001348455.5), dbSNP rs747203539, ClinGen allele CA385978683.
Genomic context (GRCh38, chr12:88,060,919, plus strand): 5'-TAGCCATTTTTTCACTAGTCAATATTCCTGATGCTTTTTTCAACTGTTCATTTTCTCTCT[G>C]GACTTTTTCAACTACTTTTTTCATTAAACCAATGGTTTTTTCCAGTTCTGGGATTGTCTT-3'
Protein context (NP_079390.3, residues 2135-2155): GLMKKVVEKV[Gln2145Glu]RENEQLKKAS